The following is an entry in ClinVar:

NM_020366.4(RPGRIP1):c.2710+1G>A

Gene: RPGRIP1 (RPGR interacting protein 1; plus strand). Cytogenetic location: 14q11.2.
Variant type: single nucleotide variant.
Coding change: c.2710+1G>A on transcript NM_020366.4 (MANE Select); the canonical splice donor site of the intron after coding-DNA position 2710, G replaced by A.
Molecular consequence: splice donor variant. On other transcripts: intron variant (4).
Genome position (GRCh38, 1-based): chr14:21,326,174, G>A. VCF-style: chr14-21326174-G-A. GRCh37 (hg19) VCF-style: chr14-21794333-G-A.
Other names: c.1636+1G>A (NM_001377948.1); c.796+1449G>A (NM_001377949.1); c.689-1449G>A (NM_001377523.1, NM_001377950.1); c.191-1449G>A (NM_001377951.1).
Identifiers: ClinVar variation 981636 (VCV000981636.2), dbSNP rs1883084009, ClinGen allele CA388869654.
Genomic context (GRCh38, chr14:21,326,174, plus strand): 5'-CGTATCTTGGCCGAGCCCGAGTGCCTTTACTGCCTCTTGCAAAAAATGAATCTATCAAAG[G>A]TGGGAGTTCGAGGTTATTACATCTTCACGCCCTCTTCCCAGTGTTGTCTCCCTGTCCTGA-3'

ClinVar aggregate classification (germline): Likely pathogenic. Review status: criteria provided, single submitter (1 of 4 stars). 2 submissions from 2 submitters: Likely pathogenic (1). 1 of the submissions does not count toward it. Last evaluated 2025-03-31.

Conditions:
Cone-rod dystrophy 13 (CORD13). Identifiers: Orphanet 1872, MedGen C2750720, MONDO:0011987, OMIM 608194.
Leber congenital amaurosis 6 (LCA6). Identifiers: Orphanet 65, MedGen C1854260, MONDO:0013446, OMIM 613826.

Allele frequency attached by ClinVar (database versions not stated): gnomAD exomes below 0.00001.
gnomAD v4.1: 3 of 1,556,082 alleles (0.00019%); highest among the groups gnomAD compares: Admixed American, 0.0019%; no homozygotes.

Submissions (2):

Labcorp Genetics (formerly Invitae), Labcorp
Classification: Likely pathogenic for Leber congenital amaurosis 6; Cone-rod dystrophy 13. Last evaluated: 2025-03-31. Review status: criteria provided, single submitter. Criteria: Invitae Variant Classification Sherloc (09022015). Collection method: clinical testing. Allele origin: germline.
Comment: This sequence change affects a donor splice site in intron 16 of the RPGRIP1 gene. It is expected to disrupt RNA splicing. Variants that disrupt the donor or acceptor splice site typically lead to a loss of protein function (PMID: 16199547), and loss-of-function variants in RPGRIP1 are known to be pathogenic (PMID: 11528500, 23105016). This variant is not present in population databases (gnomAD no frequency). Disruption of this splice site has been observed in individual(s) with Leber congenital amaurosis (PMID: 15024725). ClinVar contains an entry for this variant (Variation ID: 981636). Algorithms developed to predict the effect of sequence changes on RNA splicing suggest that this variant may disrupt the consensus splice site. In summary, the currently available evidence indicates that the variant is pathogenic, but additional data are needed to prove that conclusively. Therefore, this variant has been classified as Likely Pathogenic.

Laboratory of Genetics in Ophthalmology, Institut Imagine
Classification: Pathogenic for Leber congenital amaurosis 6. Review status: no assertion criteria provided. Collection method: research. Allele origin: inherited. Affected: yes. Observed: 1 variant allele. Not counted in ClinVar's aggregate classification.

Literature cited by the submitters: PubMed 16199547 (cited by Labcorp Genetics (formerly Invitae), Labcorp); PubMed 11528500 (cited by Labcorp Genetics (formerly Invitae), Labcorp); PubMed 23105016 (cited by Labcorp Genetics (formerly Invitae), Labcorp); PubMed 15024725 (cited by Labcorp Genetics (formerly Invitae), Labcorp and Laboratory of Genetics in Ophthalmology, Institut Imagine).